The following is an entry in ClinVar:

NM_001429.4(EP300):c.3905dup (p.Glu1303fs)

Gene: EP300 (EP300 lysine acetyltransferase; plus strand). Cytogenetic location: 22q13.2.
Variant type: Duplication.
Coding change: c.3905dup on transcript NM_001429.4 (MANE Select); coding-DNA position 3905, one base duplicated (T; older notation c.3905dupT).
Protein change: p.Glu1303fs; shifts the reading frame from glutamic acid 1303.
Molecular consequence: frameshift variant.
Genome position (GRCh38, 1-based): chr22:41,168,479, T duplicated. VCF-style (leftmost placement, unchanged base first): chr22-41168478-C-CT. GRCh37 (hg19) VCF-style: chr22-41564482-C-CT.
Other names: c.3827dup, p.Glu1277fs (NM_001362843.2); c.3905dupT (NM_001429.4); short protein forms E1303fs, E1277fs.
Identifiers: ClinVar variation 916027 (VCV000916027.2), dbSNP rs2059152743, ClinGen allele CA1139667116.

ClinVar aggregate classification (germline): Pathogenic (1 of 4 stars; one submission).

Conditions:
Rubinstein-Taybi syndrome due to EP300 haploinsufficiency. Also called: EP300-Related Rubinstein-Taybi Syndrome; RUBINSTEIN-TAYBI SYNDROME 2. Identifiers: Orphanet 353284, Orphanet 783, MedGen C3150941, MONDO:0013364, OMIM 613684.

Submission:

Institute for Genomic Statistics and Bioinformatics, University Hospital Bonn
Classification: Pathogenic for Rubinstein-Taybi syndrome due to EP300 haploinsufficiency. Last evaluated: 2020-02-19. Review status: criteria provided, single submitter. Criteria: ACMG Guidelines, 2015. Collection method: clinical testing. Allele origin: de novo. Inheritance: Autosomal dominant inheritance. Affected: yes. Observed: 1 heterozygote.
Comment: The variant c.3905dupT in exon 24 of the gene EP300 results in a reading frame shift from position 1303 with exchange of the sequence of six amino acid sequence Glu-Asn-Arg-Val-Asn-Asp to Arg-Glu-Ser-Cys-Glu followed by a stop codon. MutationTaster classifies this variant as pathogenic. According to ACMG guidelines, the variant c.3905dupT classified as pathogenic. Classification according to ACMG guidelines: PVS1: reading frame shift with stop mutation in a gene for which pathogenic new mutations are known to cause disease for Rubinstein-Taybi syndrome. PM1: The variant is particularly close to 18 other pathogenic variants. PM2: The variant was not found in any population genetic studies (such as GnomAD, Iranome, GME, 1kGP, etc.) identified. PS2: Potential new mutation (pending independent validation). PP3: Bioinformatic prediction programs classify this variant as pathogenic.